The following is an entry in ClinVar:

NM_004481.5(GALNT2):c.894C>T (p.Val298=)

Gene: GALNT2 (polypeptide N-acetylgalactosaminyltransferase 2; plus strand). Cytogenetic location: 1q42.13.
Variant type: single nucleotide variant.
Coding change: c.894C>T on transcript NM_004481.5 (MANE Select); coding-DNA position 894, C replaced by T.
Protein change: p.Val298=; no amino-acid change (valine 298 retained).
Molecular consequence: synonymous variant.
Genome position (GRCh38, 1-based): chr1:230,249,260, C>T. VCF-style: chr1-230249260-C-T. GRCh37 (hg19) VCF-style: chr1-230385006-C-T.
Other names: c.780C>T, p.Val260= (NM_001291866.2).
Identifiers: ClinVar variation 2640067 (VCV002640067.26), dbSNP rs762888092, ClinGen allele CA423868005.

ClinVar aggregate classification (germline): Likely benign. Review status: criteria provided, multiple submitters, no conflicts (2 of 4 stars). 2 submissions from 2 submitters: Likely benign (2). Last evaluated 2024-11-11.

Allele frequency attached by ClinVar (database versions not stated): gnomAD 0.00001; TOPMed 0.00001.
gnomAD v4.1: 11 of 1,613,882 alleles (0.00068%); highest among the groups gnomAD compares: East Asian, 0.0045%; no homozygotes.

Submissions (2):

Labcorp Genetics (formerly Invitae), Labcorp
Classification: Likely benign. Last evaluated: 2024-11-11. Review status: criteria provided, single submitter. Criteria: Invitae Variant Classification Sherloc (09022015). Collection method: clinical testing. Allele origin: germline.

CeGaT Center for Human Genetics Tuebingen
Classification: Likely benign. Last evaluated: 2023-10-01. Review status: criteria provided, single submitter. Criteria: CeGaT Center For Human Genetics Tuebingen Variant Classification Criteria Version 2. Collection method: clinical testing. Allele origin: germline. Affected: yes. Observed: 1 variant allele.
Comment: GALNT2: BP4, BP7